The following is an entry in ClinVar:

ClinVar aggregate classification (germline): Likely benign (0 of 4 stars; one submission).

Conditions:
CENPF-related disorder. Also called: CENPF-related condition.

gnomAD v4.1: 5 of 1,590,174 alleles (0.00031%); highest among the groups gnomAD compares: Non-Finnish European, 0.00043%; no homozygotes.

Submission:

PreventionGenetics, part of Exact Sciences
Classification: Likely benign for CENPF-related condition. Last evaluated: 2024-09-06. Review status: no assertion criteria provided. Collection method: clinical testing. Allele origin: germline.
Comment: This variant is classified as likely benign based on ACMG/AMP sequence variant interpretation guidelines (Richards et al. 2015 PMID: 25741868, with internal and published modifications).

NM_016343.4(CENPF):c.4905A>G (p.Ser1635=)

Gene: CENPF (centromere protein F; plus strand). Cytogenetic location: 1q41.
Variant type: single nucleotide variant.
Coding change: c.4905A>G on transcript NM_016343.4 (MANE Select); coding-DNA position 4905, A replaced by G.
Protein change: p.Ser1635=; no amino-acid change (serine 1635 retained).
Molecular consequence: synonymous variant.
Genome position (GRCh38, 1-based): chr1:214,643,243, A>G. VCF-style: chr1-214643243-A-G. GRCh37 (hg19) VCF-style: chr1-214816586-A-G.
Identifiers: ClinVar variation 3349348 (VCV003349348.1).